The following is an entry in ClinVar:

ClinVar aggregate classification (germline): Likely benign. Review status: criteria provided, multiple submitters, no conflicts (2 of 4 stars). 2 submissions from 2 submitters: Likely benign (2). Last evaluated 2025-07-18.

Conditions:
Juvenile polyposis syndrome (JPS). Identifiers: Orphanet 2929, MedGen C0345893, MONDO:0017380, OMIM 174900.

Allele frequency attached by ClinVar (database versions not stated): gnomAD exomes below 0.00001; TOPMed below 0.00001.
gnomAD v4.1: 1 of 1,613,448 alleles (0.000062%); highest among the groups gnomAD compares: African/African-American, 0.0013%; no homozygotes.

Submissions (2):

Labcorp Genetics (formerly Invitae), Labcorp
Classification: Likely benign for Juvenile polyposis syndrome. Last evaluated: 2025-07-18. Review status: criteria provided, single submitter. Criteria: Invitae Variant Classification Sherloc (09022015). Collection method: clinical testing. Allele origin: germline.

Myriad Genetics, Inc.
Classification: Likely benign for Juvenile polyposis syndrome. Last evaluated: 2024-08-02. Review status: criteria provided, single submitter. Criteria: Myriad Autosomal Dominant, Autosomal Recessive and X-Linked Classification Criteria (2023). Collection method: clinical testing. Allele origin: unknown.
Comment: This variant is considered likely benign. This variant is intronic and is not expected to impact mRNA splicing.

NM_004329.3(BMPR1A):c.676-16A>G

Gene: BMPR1A (bone morphogenetic protein receptor type 1A; plus strand). Cytogenetic location: 10q23.2.
Variant type: single nucleotide variant.
Coding change: c.676-16A>G on transcript NM_004329.3 (MANE Select); 16 bases into the intron before coding-DNA position 676, A replaced by G.
Molecular consequence: intron variant.
Genome position (GRCh38, 1-based): chr10:86,917,118, A>G. VCF-style: chr10-86917118-A-G. GRCh37 (hg19) VCF-style: chr10-88676875-A-G.
Identifiers: ClinVar variation 2164485 (VCV002164485.5), dbSNP rs1240478862, ClinGen allele CA595183771.
Genomic context (GRCh38, chr10:86,917,118, plus strand): 5'-AGATGGACTACCCCTTTGCCAGTCTTAATGGGTTTCTTTCATCAAGAGCTCAAACCTTTT[A>G]CTTTTTTCTATAAAGGTTCAGCGAACTATTGCCAAACAGATTCAGATGGTCCGGCAAGTT-3'